The following is an entry in ClinVar:

ClinVar aggregate classification (germline): Likely benign. Review status: criteria provided, single submitter (1 of 4 stars). 4 submissions from 4 submitters: Likely benign (1). 3 of the submissions do not count toward it. Last evaluated 2024-08-28.

Conditions:
FCN3-related disorder. Also called: FCN3-related condition.

Allele frequency attached by ClinVar (database versions not stated): gnomAD exomes 0.00016 and 0.00034; ExAC 0.00043; gnomAD 0.00139 and 0.00147; 1000 Genomes Project 0.00160; TOPMed 0.00166; ESP Exome Variant Server 0.00169; 1000 Genomes Project 30x 0.00172.
gnomAD v4.1: 447 of 1,614,006 alleles (0.028%); highest among the groups gnomAD compares: African/African-American, 0.55%; no homozygotes.

Submissions (4):

Blueprint Genetics
Classification: Likely benign. Last evaluated: 2024-08-28. Review status: criteria provided, single submitter. Criteria: ACMG Guidelines, 2015. Collection method: clinical testing. Allele origin: germline.

PreventionGenetics, part of Exact Sciences
Classification: Likely benign for FCN3-related condition. Last evaluated: 2020-06-05. Review status: no assertion criteria provided. Collection method: clinical testing. Allele origin: germline. Not counted in ClinVar's aggregate classification.
Comment: This variant is classified as likely benign based on ACMG/AMP sequence variant interpretation guidelines (Richards et al. 2015 PMID: 25741868, with internal and published modifications).

Clinical Genetics DNA and cytogenetics Diagnostics Lab, Erasmus MC, Erasmus Medical Center
Classification: Likely benign. Review status: no assertion criteria provided. Collection method: clinical testing. Allele origin: germline. Affected: yes. Study: VKGL Data-share Consensus. Not counted in ClinVar's aggregate classification.

Genome Diagnostics Laboratory, University Medical Center Utrecht
Classification: Likely benign. Review status: no assertion criteria provided. Collection method: clinical testing. Allele origin: germline. Affected: yes. Study: VKGL Data-share Consensus. Not counted in ClinVar's aggregate classification.

NM_003665.4(FCN3):c.266-7T>C

Gene: FCN3 (ficolin 3; minus strand). Cytogenetic location: 1p36.11.
Variant type: single nucleotide variant.
Coding change: c.266-7T>C on transcript NM_003665.4 (MANE Select); 7 bases into the intron before coding-DNA position 266, T replaced by C.
Molecular consequence: intron variant.
Genome position (GRCh38, 1-based): chr1:27,373,270, A>G on the plus strand (T>C on the coding strand, the complement: FCN3 is on the minus strand). VCF-style: chr1-27373270-A-G. GRCh37 (hg19) VCF-style: chr1-27699761-A-G.
Other names: c.266-7T>C (NM_003665.3); c.233-7T>C (NM_173452.3).
Identifiers: ClinVar variation 1284897 (VCV001284897.6), dbSNP rs28385723, ClinGen allele CA714363.